The following is an entry in ClinVar:

ClinVar aggregate classification (germline): Uncertain significance (1 of 4 stars; one submission).

Allele frequency attached by ClinVar (database versions not stated): ExAC 0.00001; TOPMed 0.00001; gnomAD exomes 0.00002.
gnomAD v4.1: 6 of 1,588,232 alleles (0.00038%); highest among the groups gnomAD compares: Admixed American, 0.0085%; no homozygotes.

Submission:

Labcorp Genetics (formerly Invitae), Labcorp
Classification: Uncertain significance. Last evaluated: 2024-07-30. Review status: criteria provided, single submitter. Criteria: Invitae Variant Classification Sherloc (09022015). Collection method: clinical testing. Allele origin: germline.
Comment: This sequence change replaces isoleucine, which is neutral and non-polar, with threonine, which is neutral and polar, at codon 2938 of the HMCN1 protein (p.Ile2938Thr). This variant is present in population databases (rs748510163, gnomAD 0.02%). This variant has not been reported in the literature in individuals affected with HMCN1-related conditions. ClinVar contains an entry for this variant (Variation ID: 1351679). An algorithm developed to predict the effect of missense changes on protein structure and function outputs the following: PolyPhen-2: "Benign". The threonine amino acid residue is found in multiple mammalian species, which suggests that this missense change does not adversely affect protein function. In summary, the available evidence is currently insufficient to determine the role of this variant in disease. Therefore, it has been classified as a Variant of Uncertain Significance.

NM_031935.3(HMCN1):c.8813T>C (p.Ile2938Thr)

Gene: HMCN1 (hemicentin 1; plus strand). Cytogenetic location: 1q31.1.
Variant type: single nucleotide variant.
Coding change: c.8813T>C on transcript NM_031935.3 (MANE Select); coding-DNA position 8813, T replaced by C.
Protein change: p.Ile2938Thr; replaces isoleucine 2938 with threonine.
Molecular consequence: missense variant.
Genome position (GRCh38, 1-based): chr1:186,082,890, T>C. VCF-style: chr1-186082890-T-C. GRCh37 (hg19) VCF-style: chr1-186052022-T-C.
Other names: short protein forms I2938T.
Identifiers: ClinVar variation 1351679 (VCV001351679.6), dbSNP rs748510163, ClinGen allele CA1293227.
Genomic context (GRCh38, chr1:186,082,890, plus strand): 5'-AAATTTTATTTGGAATTTCTTCATTTTTCCCTTAGATTCTGAATACTCAAATAACAGATA[T>C]CGGCAGGTATGTGTGTGTTGCTGAGAACACAGCTGGGAGTGCCAAAAAATATTTTAACCT-3'
Protein context (NP_114141.2, residues 2928-2948): LQILNTQITD[Ile2938Thr]GRYVCVAENT